The following is an entry in ClinVar:

NM_020461.4(TUBGCP6):c.538C>T (p.Gln180Ter)

Gene: TUBGCP6 (tubulin gamma complex component 6; minus strand). Cytogenetic location: 22q13.33.
Variant type: single nucleotide variant.
Coding change: c.538C>T on transcript NM_020461.4 (MANE Select); coding-DNA position 538, C replaced by T.
Protein change: p.Gln180Ter; replaces glutamine 180 with a stop codon.
Molecular consequence: nonsense.
Genome position (GRCh38, 1-based): chr22:50,243,922, G>A on the plus strand (C>T on the coding strand, the complement: TUBGCP6 is on the minus strand). VCF-style: chr22-50243922-G-A. GRCh37 (hg19) VCF-style: chr22-50682351-G-A.
Other names: short protein forms Q180*.
Identifiers: ClinVar variation 940611 (VCV000940611.7), dbSNP rs143957857, ClinGen allele CA325485283.

ClinVar aggregate classification (germline): Pathogenic (1 of 4 stars; one submission).

Allele frequency attached by ClinVar (database versions not stated): TOPMed 0.00003.
gnomAD v4.1: 11 of 1,613,986 alleles (0.00068%); highest among the groups gnomAD compares: South Asian, 0.0011%; no homozygotes.

Submission:

Labcorp Genetics (formerly Invitae), Labcorp
Classification: Pathogenic. Last evaluated: 2023-11-19. Review status: criteria provided, single submitter. Criteria: Invitae Variant Classification Sherloc (09022015). Collection method: clinical testing. Allele origin: germline.
Comment: This sequence change creates a premature translational stop signal (p.Gln180*) in the TUBGCP6 gene. It is expected to result in an absent or disrupted protein product. Loss-of-function variants in TUBGCP6 are known to be pathogenic (PMID: 25344692). This variant is present in population databases (no rsID available, gnomAD 0.002%). This variant has not been reported in the literature in individuals affected with TUBGCP6-related conditions. ClinVar contains an entry for this variant (Variation ID: 940611). Algorithms developed to predict the effect of sequence changes on RNA splicing suggest that this variant may create or strengthen a splice site. For these reasons, this variant has been classified as Pathogenic.

Literature cited by the submitters: PubMed 25344692.